The following is an entry in ClinVar:

ClinVar aggregate classification (germline): Uncertain significance (1 of 4 stars; one submission).

Conditions:
Perlman syndrome (PRLMNS). Identifiers: Orphanet 2849, MedGen C0796113, MONDO:0009965, OMIM 267000.

Submission:

Labcorp Genetics (formerly Invitae), Labcorp
Classification: Uncertain significance for Perlman syndrome. Last evaluated: 2022-03-05. Review status: criteria provided, single submitter. Criteria: Invitae Variant Classification Sherloc (09022015). Collection method: clinical testing. Allele origin: germline.
Comment: In summary, the available evidence is currently insufficient to determine the role of this variant in disease. Therefore, it has been classified as a Variant of Uncertain Significance. Variants that disrupt the consensus splice site are a relatively common cause of aberrant splicing (PMID: 17576681, 9536098). Algorithms developed to predict the effect of sequence changes on RNA splicing suggest that this variant is not likely to affect RNA splicing. ClinVar contains an entry for this variant (Variation ID: 846328). This variant has not been reported in the literature in individuals affected with DIS3L2-related conditions. This variant is not present in population databases (gnomAD no frequency). This sequence change falls in intron 19 of the DIS3L2 gene. It does not directly change the encoded amino acid sequence of the DIS3L2 protein. It affects a nucleotide within the consensus splice site.

Literature cited by the submitters: PubMed 17576681; PubMed 9536098.

NM_152383.5(DIS3L2):c.2394+5G>C

Gene: DIS3L2 (DIS3 like 3'-5' exoribonuclease 2; plus strand). Cytogenetic location: 2q37.1.
Variant type: single nucleotide variant.
Coding change: c.2394+5G>C on transcript NM_152383.5 (MANE Select); 5 bases into the intron after coding-DNA position 2394, G replaced by C.
Molecular consequence: intron variant.
Genome position (GRCh38, 1-based): chr2:232,334,740, G>C. VCF-style: chr2-232334740-G-C. GRCh37 (hg19) VCF-style: chr2-233199450-G-C.
Other names: c.1582-8605G>C (NM_001257281.2).
Identifiers: ClinVar variation 846328 (VCV000846328.7), dbSNP rs1489037110, ClinGen allele CA916081401.
Genomic context (GRCh38, chr2:232,334,740, plus strand): 5'-AAGCCTTCGACGTGCTGGTGCTGCGCTACGGCGTGCAGAAGCGCATCTACTGCAACGTGA[G>C]TGCCCTGGGAGAGCCCGGGGGCGGGCAGGGCAGCCCAAGCCATCCCGCACTGGAGGGGCA-3'